The following is an entry in ClinVar:

NM_004947.5(DOCK3):c.5124G>A (p.Glu1708=)

Gene: DOCK3 (dedicator of cytokinesis 3; plus strand). Cytogenetic location: 3p21.2.
Variant type: single nucleotide variant.
Coding change: c.5124G>A on transcript NM_004947.5 (MANE Select); coding-DNA position 5124, G replaced by A.
Protein change: p.Glu1708=; no amino-acid change (glutamic acid 1708 retained).
Molecular consequence: synonymous variant.
Genome position (GRCh38, 1-based): chr3:51,361,976, G>A. VCF-style: chr3-51361976-G-A. GRCh37 (hg19) VCF-style: chr3-51399407-G-A.
Other names: c.5124G>A (NM_004947.4).
Identifiers: ClinVar variation 1711576 (VCV001711576.32), dbSNP rs184200474, ClinGen allele CA2421930.

ClinVar aggregate classification (germline): Likely benign. Review status: criteria provided, multiple submitters, no conflicts (2 of 4 stars). 3 submissions from 3 submitters: Likely benign (2). 1 of the submissions does not count toward it. Last evaluated 2026-08-01.

Conditions:
DOCK3-related disorder. Also called: DOCK3-related condition.

Allele frequency attached by ClinVar (database versions not stated): 1000 Genomes Project 0.00040; 1000 Genomes Project 30x 0.00047; gnomAD 0.00084; TOPMed 0.00084; ExAC 0.00119; gnomAD exomes 0.00132; ESP Exome Variant Server 0.00157.
gnomAD v4.1: 2,030 of 1,609,516 alleles (0.13%); highest among the groups gnomAD compares: Non-Finnish European, 0.16%; 4 homozygotes.

Submissions (3):

CeGaT Center for Human Genetics Tuebingen
Classification: Likely benign. Last evaluated: 2026-08-01. Review status: criteria provided, single submitter. Criteria: CeGaT Center For Human Genetics Tuebingen Variant Classification Criteria Version 2. Collection method: clinical testing. Allele origin: germline. Affected: yes. Observed: 6 variant alleles.
Comment: DOCK3: BP4, BP7

Blueprint Genetics
Classification: Likely benign. Last evaluated: 2024-11-25. Review status: criteria provided, single submitter. Criteria: ACMG Guidelines, 2015. Collection method: clinical testing. Allele origin: germline.

PreventionGenetics, part of Exact Sciences
Classification: Likely benign for DOCK3-related condition. Last evaluated: 2019-04-09. Review status: no assertion criteria provided. Collection method: clinical testing. Allele origin: germline. Not counted in ClinVar's aggregate classification.
Comment: This variant is classified as likely benign based on ACMG/AMP sequence variant interpretation guidelines (Richards et al. 2015 PMID: 25741868, with internal and published modifications).